The following is an entry in ClinVar:

NM_000532.5(PCCB):c.966+1G>A

Gene: PCCB (propionyl-CoA carboxylase subunit beta; plus strand). Cytogenetic location: 3q22.3.
Variant type: single nucleotide variant.
Coding change: c.966+1G>A on transcript NM_000532.5 (MANE Select); the canonical splice donor site of the intron after coding-DNA position 966, G replaced by A.
Molecular consequence: splice donor variant.
Genome position (GRCh38, 1-based): chr3:136,301,112, G>A. VCF-style: chr3-136301112-G-A. GRCh37 (hg19) VCF-style: chr3-136019954-G-A.
Other names: c.1026+1G>A (NM_001178014.2).
Identifiers: ClinVar variation 4814334 (VCV004814334.1).

ClinVar aggregate classification (germline): Pathogenic (1 of 4 stars; one submission).

Conditions:
Propionic acidemia (PROP). Also called: GLYCINEMIA, KETOTIC; HYPERGLYCINEMIA WITH KETOACIDOSIS AND LEUKOPENIA; KETOTIC HYPERGLYCINEMIA. Identifiers: Orphanet 35, MedGen C0268579, MONDO:0011628, OMIM 606054, HP:0003571.

gnomAD v4.1: 1 of 1,609,920 alleles (0.000062%); highest among the groups gnomAD compares: Non-Finnish European, 0.000085%; no homozygotes.

Submission:

Natera, Inc.
Classification: Pathogenic for Propionic acidemia. Last evaluated: 2024-04-30. Review status: criteria provided, single submitter. Criteria: Natera Variant Classification Schema (03/2026). Collection method: clinical testing. Allele origin: germline.
Comment: The c.966+1G>A variant in PCCB is a canonical splice donor site variant predicted to affect pre-mRNA splicing, which may result in an abnormal transcript and altered protein product. This variant is expected to result in nonsense mediated decay, truncation, or a dysfunctional protein product. This variant is rare in the general population with a frequency below the threshold expected for the associated phenotype(s). Another variant at this same site results in an alteration predicted to cause a similar molecular effect has been observed in individual(s) with the associated phenotype. Given the available evidence, this variant is classified as Pathogenic.